The following is an entry in ClinVar:

ClinVar aggregate classification (germline): Likely benign (1 of 4 stars; one submission).

Allele frequency attached by ClinVar (database versions not stated): gnomAD 0.00001; gnomAD exomes 0.00001; ExAC 0.00002; 1000 Genomes Project 30x 0.00016; 1000 Genomes Project 0.00020.
gnomAD v4.1: 20 of 1,613,122 alleles (0.0012%); highest among the groups gnomAD compares: Middle Eastern, 0.017%; no homozygotes.

Submission:

CeGaT Center for Human Genetics Tuebingen
Classification: Likely benign. Last evaluated: 2022-10-01. Review status: criteria provided, single submitter. Criteria: CeGaT Center For Human Genetics Tuebingen Variant Classification Criteria Version 2. Collection method: clinical testing. Allele origin: germline. Affected: yes. Observed: 1 variant allele.
Comment: RALGAPA2: BP4, BP7

NM_020343.4(RALGAPA2):c.3336A>G (p.Pro1112=)

Gene: RALGAPA2 (Ral GTPase activating protein catalytic subunit alpha 2; minus strand). Cytogenetic location: 20p11.23.
Variant type: single nucleotide variant.
Coding change: c.3336A>G on transcript NM_020343.4 (MANE Select); coding-DNA position 3336, A replaced by G.
Protein change: p.Pro1112=; no amino-acid change (proline 1112 retained).
Molecular consequence: synonymous variant.
Genome position (GRCh38, 1-based): chr20:20,536,734, T>C on the plus strand (A>G on the coding strand, the complement: RALGAPA2 is on the minus strand). VCF-style: chr20-20536734-T-C. GRCh37 (hg19) VCF-style: chr20-20517378-T-C.
Identifiers: ClinVar variation 2652234 (VCV002652234.24), dbSNP rs564751346, ClinGen allele CA9783580.